The following is an entry in ClinVar:

NM_001375808.2(LPIN2):c.802G>A (p.Gly268Arg)

Gene: LPIN2 (lipin 2; minus strand). Cytogenetic location: 18p11.31.
Variant type: single nucleotide variant.
Coding change: c.802G>A on transcript NM_001375808.2 (MANE Select); coding-DNA position 802, G replaced by A.
Protein change: p.Gly268Arg; replaces glycine 268 with arginine.
Molecular consequence: missense variant.
Genome position (GRCh38, 1-based): chr18:2,939,500, C>T on the plus strand (G>A on the coding strand, the complement: LPIN2 is on the minus strand). VCF-style: chr18-2939500-C-T. GRCh37 (hg19) VCF-style: chr18-2939498-C-T.
Other names: c.802G>A, p.Gly268Arg (NM_001375809.1, NM_014646.2); short protein forms G268R.
Identifiers: ClinVar variation 664725 (VCV000664725.10), dbSNP rs755432834, ClinGen allele CA8873289.

ClinVar aggregate classification (germline): Uncertain significance (1 of 4 stars; one submission).

Conditions:
Majeed syndrome (MJDS). Also called: LPIN2-Related Majeed Syndrome; CHRONIC RECURRENT MULTIFOCAL OSTEOMYELITIS 1, WITH CONGENITAL DYSERYTHROPOIETIC ANEMIA, WITH OR WITHOUT NEUTROPHILIC DERMATOSIS. Identifiers: Orphanet 77297, MedGen C1864997, MONDO:0012316, OMIM 609628.

Allele frequency attached by ClinVar (database versions not stated): ExAC 0.00001; gnomAD 0.00001; gnomAD exomes 0.00001 and 0.00002; TOPMed 0.00001.
gnomAD v4.1: 24 of 1,613,774 alleles (0.0015%); highest among the groups gnomAD compares: East Asian, 0.0022%; no homozygotes.

Submission:

Labcorp Genetics (formerly Invitae), Labcorp
Classification: Uncertain significance for Majeed syndrome. Last evaluated: 2024-02-17. Review status: criteria provided, single submitter. Criteria: Invitae Variant Classification Sherloc (09022015). Collection method: clinical testing. Allele origin: germline.
Comment: This sequence change replaces glycine, which is neutral and non-polar, with arginine, which is basic and polar, at codon 268 of the LPIN2 protein (p.Gly268Arg). This variant is present in population databases (rs755432834, gnomAD 0.006%). This variant has not been reported in the literature in individuals affected with LPIN2-related conditions. ClinVar contains an entry for this variant (Variation ID: 664725). Advanced modeling of protein sequence and biophysical properties (such as structural, functional, and spatial information, amino acid conservation, physicochemical variation, residue mobility, and thermodynamic stability) performed at Invitae indicates that this missense variant is not expected to disrupt LPIN2 protein function with a negative predictive value of 80%. In summary, the available evidence is currently insufficient to determine the role of this variant in disease. Therefore, it has been classified as a Variant of Uncertain Significance.